The following is an entry in ClinVar:

ClinVar aggregate classification (germline): Uncertain significance (1 of 4 stars; one submission).

Conditions:
Epilepsy, familial temporal lobe, 1. Identifiers: Orphanet 101046, MedGen CN030884, MONDO:0700090, OMIM 600512.

Allele frequency attached by ClinVar (database versions not stated): gnomAD below 0.00001 and 0.00001; gnomAD exomes below 0.00001; ExAC 0.00001.
gnomAD v4.1: 5 of 1,609,996 alleles (0.00031%); highest among the groups gnomAD compares: South Asian, 0.0044%; no homozygotes.

Submission:

Baylor Genetics
Classification: Uncertain significance for Epilepsy, familial temporal lobe, 1. Last evaluated: 2019-09-27. Review status: criteria provided, single submitter. Criteria: ACMG Guidelines, 2015. Collection method: clinical testing. Allele origin: unknown. Affected: yes.
Comment: This variant was determined to be of uncertain significance according to ACMG Guidelines, 2015 [PMID:25741868].

NM_022765.4(MICAL1):c.2462T>C (p.Leu821Pro)

Gene: MICAL1 (microtubule associated monooxygenase, calponin and LIM domain containing 1; minus strand). Cytogenetic location: 6q21.
Variant type: single nucleotide variant.
Coding change: c.2462T>C on transcript NM_022765.4 (MANE Select); coding-DNA position 2462, T replaced by C.
Protein change: p.Leu821Pro; replaces leucine 821 with proline.
Molecular consequence: missense variant.
Genome position (GRCh38, 1-based): chr6:109,446,255, A>G on the plus strand (T>C on the coding strand, the complement: MICAL1 is on the minus strand). VCF-style: chr6-109446255-A-G. GRCh37 (hg19) VCF-style: chr6-109767458-A-G.
Other names: c.2204T>C, p.Leu735Pro (NM_001159291.2); c.2519T>C, p.Leu840Pro (NM_001286613.2); short protein forms L735P, L840P, L821P.
Identifiers: ClinVar variation 1027883 (VCV001027883.1), dbSNP rs755137933, ClinGen allele CA3952886.